The following is an entry in ClinVar:

ClinVar aggregate classification (germline): Uncertain significance (1 of 4 stars; one submission).

Conditions:
Gastrointestinal stromal tumor. Also called: Gastrointestinal stromal tumor, somatic; Gastrointestinal stroma tumor. Identifiers: Orphanet 44890, MedGen C0238198, MeSH D046152, MONDO:0011719, OMIM 606764, HP:0100723.

Submission:

Labcorp Genetics (formerly Invitae), Labcorp
Classification: Uncertain significance for Gastrointestinal stromal tumor. Last evaluated: 2023-12-19. Review status: criteria provided, single submitter. Criteria: Invitae Variant Classification Sherloc (09022015). Collection method: clinical testing. Allele origin: germline.
Comment: This sequence change falls in intron 5 of the KIT gene. It does not directly change the encoded amino acid sequence of the KIT protein. It affects a nucleotide within the consensus splice site. This variant is not present in population databases (gnomAD no frequency). This variant has not been reported in the literature in individuals affected with KIT-related conditions. Variants that disrupt the consensus splice site are a relatively common cause of aberrant splicing (PMID: 17576681, 9536098). Algorithms developed to predict the effect of sequence changes on RNA splicing suggest that this variant may create or strengthen a splice site. In summary, the available evidence is currently insufficient to determine the role of this variant in disease. Therefore, it has been classified as a Variant of Uncertain Significance.

Literature cited by the submitters: PubMed 17576681; PubMed 9536098.

NM_000222.3(KIT):c.925+4A>C

Gene: KIT (KIT proto-oncogene, receptor tyrosine kinase; plus strand). Cytogenetic location: 4q12.
Variant type: single nucleotide variant.
Coding change: c.925+4A>C on transcript NM_000222.3 (MANE Select); 4 bases into the intron after coding-DNA position 925, A replaced by C.
Molecular consequence: intron variant.
Genome position (GRCh38, 1-based): chr4:54,703,896, A>C. VCF-style: chr4-54703896-A-C. GRCh37 (hg19) VCF-style: chr4-55570062-A-C.
Other names: c.928+4A>C (NM_001385284.1, NM_001385290.1, NM_001385288.1 and 1 more transcripts); c.925+4A>C (NM_001385285.1, NM_001093772.2, NM_001385286.1).
Identifiers: ClinVar variation 2704066 (VCV002704066.3), dbSNP rs2475469924, ClinGen allele CA2697546719.
Genomic context (GRCh38, chr4:54,703,896, plus strand): 5'-GTTATGCCAATAATACTTTTGGATCAGCAAATGTCACAACAACCTTGGAAGTAGTAGGTA[A>C]ATACCTCTATGGGAATGTTTAAATTACTGGCAGTAGTGAAAGAAGAAATTATTAGACAGT-3'